The following is an entry in ClinVar:

NM_005732.4(RAD50):c.2993A>C (p.Asn998Thr)

Gene: RAD50 (RAD50 double strand break repair protein; plus strand). Cytogenetic location: 5q31.1.
Variant type: single nucleotide variant.
Coding change: c.2993A>C on transcript NM_005732.4 (MANE Select); coding-DNA position 2993, A replaced by C.
Protein change: p.Asn998Thr; replaces asparagine 998 with threonine.
Molecular consequence: missense variant.
Genome position (GRCh38, 1-based): chr5:132,609,353, A>C. VCF-style: chr5-132609353-A-C. GRCh37 (hg19) VCF-style: chr5-131945045-A-C.
Other names: short protein forms N998T.
Identifiers: ClinVar variation 1798545 (VCV001798545.4), dbSNP rs2479371732, ClinGen allele CA360960781.

ClinVar aggregate classification (germline): Uncertain significance. Review status: criteria provided, multiple submitters, no conflicts (2 of 4 stars). 2 submissions from 2 submitters: Uncertain significance (2). Last evaluated 2024-09-02.

Conditions:
Hereditary cancer-predisposing syndrome. Also called: Neoplastic Syndromes, Hereditary; Tumor predisposition; Hereditary Cancer Syndrome; Hereditary neoplastic syndrome. Identifiers: Orphanet 140162, MedGen C0027672, MeSH D009386, MONDO:0015356.

gnomAD v4.1: 1 of 1,613,880 alleles (0.000062%); highest among the groups gnomAD compares: Non-Finnish European, 0.000085%; no homozygotes.

Submissions (2):

Labcorp Genetics (formerly Invitae), Labcorp
Classification: Uncertain significance for Hereditary cancer-predisposing syndrome. Last evaluated: 2024-09-02. Review status: criteria provided, single submitter. Criteria: Invitae Variant Classification Sherloc (09022015). Collection method: clinical testing. Allele origin: germline.
Comment: This sequence change replaces asparagine, which is neutral and polar, with threonine, which is neutral and polar, at codon 998 of the RAD50 protein (p.Asn998Thr). This variant is not present in population databases (gnomAD no frequency). This variant has not been reported in the literature in individuals affected with RAD50-related conditions. ClinVar contains an entry for this variant (Variation ID: 1798545). Invitae Evidence Modeling of protein sequence and biophysical properties (such as structural, functional, and spatial information, amino acid conservation, physicochemical variation, residue mobility, and thermodynamic stability) indicates that this missense variant is not expected to disrupt RAD50 protein function with a negative predictive value of 80%. In summary, the available evidence is currently insufficient to determine the role of this variant in disease. Therefore, it has been classified as a Variant of Uncertain Significance.

Ambry Genetics
Classification: Uncertain significance for Hereditary cancer-predisposing syndrome. Last evaluated: 2022-01-21. Review status: criteria provided, single submitter. Criteria: Ambry Variant Classification Scheme 2023. Collection method: clinical testing. Allele origin: germline.
Comment: The p.N998T variant (also known as c.2993A>C), located in coding exon 19 of the RAD50 gene, results from an A to C substitution at nucleotide position 2993. The asparagine at codon 998 is replaced by threonine, an amino acid with similar properties. This amino acid position is conserved. In addition, this alteration is predicted to be tolerated by in silico analysis. Since supporting evidence is limited at this time, the clinical significance of this alteration remains unclear.